The following is an entry in ClinVar:

ClinVar aggregate classification (germline): Likely benign. Review status: criteria provided, single submitter (1 of 4 stars). 2 submissions from 2 submitters: Likely benign (1). 1 of the submissions does not count toward it. Last evaluated 2021-02-18.

Conditions:
SLC5A2-related disorder. Also called: SLC5A2-related condition.

gnomAD v4.1: 2 of 1,603,604 alleles (0.00012%); highest among the groups gnomAD compares: Non-Finnish European, 0.00017%; no homozygotes.

Submissions (2):

Blueprint Genetics
Classification: Likely benign. Last evaluated: 2021-02-18. Review status: criteria provided, single submitter. Criteria: ACMG Guidelines, 2015. Collection method: clinical testing. Allele origin: germline.

PreventionGenetics, part of Exact Sciences
Classification: Likely benign for SLC5A2-related condition. Last evaluated: 2022-05-13. Review status: no assertion criteria provided. Collection method: clinical testing. Allele origin: germline. Not counted in ClinVar's aggregate classification.
Comment: This variant is classified as likely benign based on ACMG/AMP sequence variant interpretation guidelines (Richards et al. 2015 PMID: 25741868, with internal and published modifications).

NM_003041.4(SLC5A2):c.885+7G>T

Genes: SLC5A2 (solute carrier family 5 member 2; plus strand), LOC130058907 (ATAC-STARR-seq lymphoblastoid silent region 7421; plus strand). Cytogenetic location: 16p11.2.
Variant type: single nucleotide variant.
Coding change: c.885+7G>T on transcript NM_003041.4 (MANE Select); 7 bases into the intron after coding-DNA position 885, G replaced by T.
Molecular consequence: intron variant.
Genome position (GRCh38, 1-based): chr16:31,487,766, G>T. VCF-style: chr16-31487766-G-T. GRCh37 (hg19) VCF-style: chr16-31499087-G-T.
Identifiers: ClinVar variation 3032203 (VCV003032203.3), dbSNP rs752072314, ClinGen allele CA8030882.